The following is an entry in ClinVar:

NM_001330078.2(NRXN1):c.4202G>A (p.Ser1401Asn)

Gene: NRXN1 (neurexin 1; minus strand). Cytogenetic location: 2p16.3.
Variant type: single nucleotide variant.
Coding change: c.4202G>A on transcript NM_001330078.2 (MANE Select); coding-DNA position 4202, G replaced by A.
Protein change: p.Ser1401Asn; replaces serine 1401 with asparagine.
Molecular consequence: missense variant.
Genome position (GRCh38, 1-based): chr2:49,943,718, C>T on the plus strand (G>A on the coding strand, the complement: NRXN1 is on the minus strand). VCF-style: chr2-49943718-C-T. GRCh37 (hg19) VCF-style: chr2-50170856-C-T.
Other names: p.S1441N:AGC>AAC; c.4322G>A, p.Ser1441Asn (NM_001135659.3); c.107G>A, p.Ser36Asn (NM_001320156.4, NM_001320157.4); c.4178G>A, p.Ser1393Asn (NM_001330077.2, NM_001330082.2); c.4046G>A, p.Ser1349Asn (NM_001330083.2); c.4136G>A, p.Ser1379Asn (NM_001330084.2); c.4175G>A, p.Ser1392Asn (NM_001330085.2); c.4202G>A, p.Ser1401Asn (NM_001330086.2); and 8 more; short protein forms S1441N, S1379N, S1392N, S1393N, S1397N, S1400N, S1344N, S1371N.
Identifiers: ClinVar variation 206212 (VCV000206212.2), dbSNP rs796052762, ClinGen allele CA316073.

ClinVar aggregate classification (germline): Uncertain significance (1 of 4 stars; one submission).

Submission:

GeneDx
Classification: Uncertain significance. Last evaluated: 2012-10-10. Review status: criteria provided, single submitter. Criteria: GeneDx Variant Classification (06012015). Collection method: clinical testing. Allele origin: germline. Affected: yes.
Comment: The Ser1441Asn missense change has not been published as a mutation, nor has it been reported as a benign polymorphism to our knowledge. The NHLBI ESP Exome Variant Project has not identified Ser1441Asn in approximately 6,500 individuals of European or African American ethnicity, indicating that it is not a common benign variant in these populations. Ser1441Asn alters a highly conserved position in the C-terminal region of the protein. However, the amino acid substitution is conservative, as Serine and Asparagine are both uncharged, polar amino acids, and multiple in silico algorithms predict it may be benign. Therefore, based on the currently available information, it is unclear whether Ser1441Asn is a disease-causing mutation or a rare benign variant. The variant is found in INFANT-EPI panel(s).